The following is an entry in ClinVar:

NM_016373.4(WWOX):c.69G>A (p.Glu23=)

Gene: WWOX (WW domain containing oxidoreductase; plus strand). Cytogenetic location: 16q23.1.
Variant type: single nucleotide variant.
Coding change: c.69G>A on transcript NM_016373.4 (MANE Select); coding-DNA position 69, G replaced by A.
Protein change: p.Glu23=; no amino-acid change (glutamic acid 23 retained).
Molecular consequence: synonymous variant. On other transcripts: 5 prime UTR variant (1), non-coding transcript variant (2).
Genome position (GRCh38, 1-based): chr16:78,099,847, G>A. VCF-style: chr16-78099847-G-A. GRCh37 (hg19) VCF-style: chr16-78133744-G-A.
Other names: c.-206G>A (NM_001291997.2); c.69G>A, p.Glu23= (NM_130791.5).
Identifiers: ClinVar variation 3027301 (VCV003027301.24), dbSNP rs2507126109, ClinGen allele CA496609377.

ClinVar aggregate classification (germline): Likely benign. Review status: criteria provided, multiple submitters, no conflicts (2 of 4 stars). 2 submissions from 2 submitters: Likely benign (2). Last evaluated 2024-08-31.

Conditions:
Developmental and epileptic encephalopathy, 1 (DEE1). Also called: X-linked infantile spasms; West's syndrome; Tonic spasms with clustering, arrest of psychomotor development and hypsarrhythmia on EEG; X-Linked Infantile Spasm Syndrome; OHTAHARA SYNDROME, X-LINKED; INFANTILE SPASM SYNDROME, X-LINKED 1. Identifiers: MedGen C3463992, MONDO:0010632, OMIM 308350. Disease mechanism: loss of function.
Autosomal recessive spinocerebellar ataxia 12. Also called: SPINOCEREBELLAR ATAXIA WITH MENTAL RETARDATION AND EPILEPSY. Identifiers: Orphanet 284282, MedGen C3280452, MONDO:0013687, OMIM 614322.

gnomAD v4.1: 1 of 1,581,980 alleles (0.000063%); no homozygotes.

Submissions (2):

Labcorp Genetics (formerly Invitae), Labcorp
Classification: Likely benign for Developmental and epileptic encephalopathy, 1; Autosomal recessive spinocerebellar ataxia 12. Last evaluated: 2024-08-31. Review status: criteria provided, single submitter. Criteria: Invitae Variant Classification Sherloc (09022015). Collection method: clinical testing. Allele origin: germline.

CeGaT Center for Human Genetics Tuebingen
Classification: Likely benign. Last evaluated: 2024-02-01. Review status: criteria provided, single submitter. Criteria: CeGaT Center For Human Genetics Tuebingen Variant Classification Criteria Version 2. Collection method: clinical testing. Allele origin: germline. Affected: yes. Observed: 1 variant allele.
Comment: WWOX: PM2:Supporting, BP4, BP7